The following is an entry in ClinVar:

ClinVar aggregate classification (germline): Uncertain significance (1 of 4 stars; one submission).

Conditions:
WNK1-related disorder. Also called: WNK1-related condition.

Allele frequency attached by ClinVar (database versions not stated): TOPMed below 0.00001.

Submission:

PreventionGenetics, part of Exact Sciences
Classification: Uncertain significance for WNK1-related condition. Last evaluated: 2023-02-28. Review status: criteria provided, single submitter. Criteria: ACMG Guidelines, 2015. Collection method: clinical testing. Allele origin: germline.
Comment: The WNK1 c.2843C>G variant is predicted to result in the amino acid substitution p.Pro948Arg. To our knowledge, this variant has not been reported in the literature or in a large population database, indicating this variant is rare. At this time, the clinical significance of this variant is uncertain due to the absence of conclusive functional and genetic evidence.

NM_018979.4(WNK1):c.2843C>G (p.Pro948Arg)

Gene: WNK1 (WNK lysine deficient protein kinase 1; plus strand). Cytogenetic location: 12p13.33.
Variant type: single nucleotide variant.
Coding change: c.2843C>G on transcript NM_018979.4 (MANE Select); coding-DNA position 2843, C replaced by G.
Protein change: p.Pro948Arg; replaces proline 948 with arginine.
Molecular consequence: missense variant. On other transcripts: intron variant (2).
Genome position (GRCh38, 1-based): chr12:880,731, C>G. VCF-style: chr12-880731-C-G. GRCh37 (hg19) VCF-style: chr12-989897-C-G.
Other names: c.3623C>G, p.Pro1208Arg (NM_001184985.2); c.3868-961C>G (NM_213655.5); c.2371-961C>G (NM_014823.3); short protein forms P1208R, P948R.
Identifiers: ClinVar variation 2633837 (VCV002633837.1), dbSNP rs1051000166, ClinGen allele CA231476012.
Genomic context (GRCh38, chr12:880,731, plus strand): 5'-TTTATTGACCCCCAACCTGCTCTAACTCACCTTCCTCATTTCTGTCACAGGGCTTCCCAC[C>G]TCGACTGCCACCACAGTACCCAGGAGATTCAAATATTGCTCCCTCTTCCAACGTGGCTTC-3'
Protein context (NP_061852.3, residues 938-958): SGDVLYQGFP[Pro948Arg]RLPPQYPGDS